The following is an entry in ClinVar:

NM_002109.6(HARS1):c.1039G>A (p.Ala347Thr)

Gene: HARS1 (histidyl-tRNA synthetase 1; minus strand). Cytogenetic location: 5q31.3.
Variant type: single nucleotide variant.
Coding change: c.1039G>A on transcript NM_002109.6 (MANE Select); coding-DNA position 1039, G replaced by A.
Protein change: p.Ala347Thr; replaces alanine 347 with threonine.
Molecular consequence: missense variant.
Genome position (GRCh38, 1-based): chr5:140,676,809, C>T on the plus strand (G>A on the coding strand, the complement: HARS1 is on the minus strand). VCF-style: chr5-140676809-C-T. GRCh37 (hg19) VCF-style: chr5-140056394-C-T.
Other names: c.919G>A, p.Ala307Thr (NM_001258040.3); c.979G>A, p.Ala327Thr (NM_001258041.3); c.859G>A, p.Ala287Thr (NM_001258042.3); c.817G>A, p.Ala273Thr (NM_001289092.2); c.697G>A, p.Ala233Thr (NM_001289093.2); c.952G>A, p.Ala318Thr (NM_001289094.2); short protein forms A287T, A307T, A233T, A273T, A327T, A318T, A347T.
Identifiers: ClinVar variation 3707395 (VCV003707395.2).
Genomic context (GRCh38, chr5:140,676,809, plus strand): 5'-CTAGCCCATCATAGCGTCCTCCAGCAGCCACACTGCCCACACCCAGGGGCTCTTCCCCTG[C>T]CTGGGCTGGGGTCTGTAGCAGCACTGCCTCATAGATCACCCCAGTGTAGTAATCCAGCCC-3'
Protein context (NP_002100.2, residues 337-357): EAVLLQTPAQ[Ala347Thr]GEEPLGVGSV

ClinVar aggregate classification (germline): Uncertain significance (1 of 4 stars; one submission).

Conditions:
Usher syndrome type 3B. Also called: USHER SYNDROME, TYPE IIIB. Identifiers: MedGen C3281066, MONDO:0013788, OMIM 614504.

Submission:

Labcorp Genetics (formerly Invitae), Labcorp
Classification: Uncertain significance for Usher syndrome type 3B. Last evaluated: 2024-08-27. Review status: criteria provided, single submitter. Criteria: Invitae Variant Classification Sherloc (09022015). Collection method: clinical testing. Allele origin: germline.
Comment: This sequence change replaces alanine, which is neutral and non-polar, with threonine, which is neutral and polar, at codon 347 of the HARS protein (p.Ala347Thr). This variant is not present in population databases (gnomAD no frequency). This variant has not been reported in the literature in individuals affected with HARS-related conditions. An algorithm developed to predict the effect of missense changes on protein structure and function (PolyPhen-2) suggests that this variant is likely to be tolerated. In summary, the available evidence is currently insufficient to determine the role of this variant in disease. Therefore, it has been classified as a Variant of Uncertain Significance.